The following is an entry in ClinVar:

NM_007289.4(MME):c.1874A>T (p.Gln625Leu)

Gene: MME (membrane metalloendopeptidase; plus strand). Cytogenetic location: 3q25.2.
Variant type: single nucleotide variant.
Coding change: c.1874A>T on transcript NM_007289.4 (MANE Select); coding-DNA position 1874, A replaced by T.
Protein change: p.Gln625Leu; replaces glutamine 625 with leucine.
Molecular consequence: missense variant.
Genome position (GRCh38, 1-based): chr3:155,168,585, A>T. VCF-style: chr3-155168585-A-T. GRCh37 (hg19) VCF-style: chr3-154886374-A-T.
Other names: c.1874A>T, p.Gln625Leu (NM_000902.5, NM_001354642.2, NM_001354643.1 and 2 more transcripts); short protein forms Q625L.
Identifiers: ClinVar variation 3383246 (VCV003383246.1).
Genomic context (GRCh38, chr3:155,168,585, plus strand): 5'-ACTGGTGGACTCAACAGTCTGCAAGTAACTTTAAGGAGCAATCCCAGTGCATGGTGTATC[A>T]GTATGGAAACTTTTCCTGGGACCTGGCAGGTGGACAGCACGTATGTCATTAGCATTCTCT-3'
Protein context (NP_009220.2, residues 615-635): FKEQSQCMVY[Gln625Leu]YGNFSWDLAG

ClinVar aggregate classification (germline): Likely pathogenic (1 of 4 stars; one submission).

Conditions:
Charcot-Marie-Tooth disease axonal type 2T. Identifiers: Orphanet 443950, MedGen C4015635, OMIM 617017, MONDO:0014866.

Submission:

MVZ Medizinische Genetik Mainz
Classification: Likely pathogenic for Charcot-Marie-Tooth disease axonal type 2T. Last evaluated: 2024-10-22. Review status: criteria provided, single submitter. Criteria: UK Practice Guidelines For Variant Classification V4 01 2020. Collection method: clinical testing. Allele origin: germline. Inheritance: Autosomal dominant inheritance. Affected: yes. Observed: 1 variant allele.
Comment: ACMG Criteria: PP3_STR,PM1_SUP,PM2_SUP